The following is an entry in ClinVar:

NM_004360.5(CDH1):c.2459C>G (p.Thr820Ser)

Gene: CDH1 (cadherin 1; plus strand). Cytogenetic location: 16q22.1.
Variant type: single nucleotide variant.
Coding change: c.2459C>G on transcript NM_004360.5 (MANE Select); coding-DNA position 2459, C replaced by G.
Protein change: p.Thr820Ser; replaces threonine 820 with serine.
Molecular consequence: missense variant.
Genome position (GRCh38, 1-based): chr16:68,833,309, C>G. VCF-style: chr16-68833309-C-G. GRCh37 (hg19) VCF-style: chr16-68867212-C-G.
Other names: c.2276C>G, p.Thr759Ser (NM_001317184.2); c.911C>G, p.Thr304Ser (NM_001317185.2); c.494C>G, p.Thr165Ser (NM_001317186.2); short protein forms T304S, T165S, T759S, T820S.
Identifiers: ClinVar variation 4773974 (VCV004773974.1).

ClinVar aggregate classification (germline): Uncertain significance (1 of 4 stars; one submission).

Conditions:
Hereditary diffuse gastric adenocarcinoma (HDGC). Also called: DIFFUSE GASTRIC AND LOBULAR BREAST CANCER SYNDROME. Identifiers: Orphanet 26106, MedGen C1708349, MONDO:0007648, OMIM 137215.

Submission:

Labcorp Genetics (formerly Invitae), Labcorp
Classification: Uncertain significance for Hereditary diffuse gastric adenocarcinoma. Last evaluated: 2025-05-18. Review status: criteria provided, single submitter. Criteria: Invitae Variant Classification Sherloc (09022015). Collection method: clinical testing. Allele origin: germline.
Comment: This sequence change replaces threonine, which is neutral and polar, with serine, which is neutral and polar, at codon 820 of the CDH1 protein (p.Thr820Ser). This variant is not present in population databases (gnomAD no frequency). This variant has not been reported in the literature in individuals affected with CDH1-related conditions. An algorithm developed to predict the effect of missense changes on protein structure and function outputs the following: PolyPhen-2: "Benign". The serine amino acid residue is found in multiple mammalian species, which suggests that this missense change does not adversely affect protein function. In summary, the available evidence is currently insufficient to determine the role of this variant in disease. Therefore, it has been classified as a Variant of Uncertain Significance.